The following is an entry in ClinVar:

NC_012920.1(MT-CO1):m.5911C>T

Gene: MT-CO1 (mitochondrially encoded cytochrome c oxidase I; plus strand).
Variant type: single nucleotide variant.
Genome position: chrM-5911-C-T.
Identifiers: ClinVar variation 692600 (VCV000692600.1), dbSNP rs879227822, ClinGen allele CA337097281.
Genomic context (GRCh38, chrMT:5,911, plus strand): 5'-CTTTAGATTTACAGTCCAATGCTTCACTCAGCCATTTTACCTCACCCCCACTGATGTTCG[C>T]CGACCGTTGACTATTCTCTACAAACCACAAAGACATTGGAACACTATACCTATTATTCGG-3'

ClinVar aggregate classification (germline): Benign (1 of 4 stars; one submission).

Conditions:
Leigh syndrome (NULS). Also called: Leigh's necrotizing encephalopathy; Leigh's disease; Leigh Syndrome (mtDNA deletion); Leigh Disease; Subacute necrotizing encephalopathy; Necrotizing encephalopathy infantile subacute of Leigh. Identifiers: Orphanet 506, MedGen C2931891, MONDO:0009723, OMIM 256000.

Submission:

Wong Mito Lab, Molecular and Human Genetics, Baylor College of Medicine
Classification: Benign for Leigh syndrome. Last evaluated: 2019-10-17. Review status: criteria provided, single submitter. Criteria: Modified ACMG Guidelines (Unpublished). Collection method: clinical testing. Allele origin: germline.
Comment: The NC_012920.1:m.5911C>T (YP_003024028.1:p.Ala3Val) variant in MTCO1 gene is interpretated to be a Benign variant based on the modified ACMG guidelines (unpublished). This variant meets the following evidence codes: BS1, BS2, BP4